The following is an entry in ClinVar:

ClinVar aggregate classification (germline): Pathogenic (1 of 4 stars; one submission).

Conditions:
Neurodevelopmental disorder with nonspecific brain abnormalities and with or without seizures. Identifiers: MedGen C5231470, MONDO:0032877, OMIM 618709.

Submission:

MGZ Medical Genetics Center
Classification: Pathogenic for Neurodevelopmental disorder with nonspecific brain abnormalities and with or without seizures. Last evaluated: 2021-10-08. Review status: criteria provided, single submitter. Criteria: ACMG Guidelines, 2015. Collection method: clinical testing. Allele origin: germline. Affected: yes. Observed: 1 variant allele.
Comment: ACMG criteria applied: PVS1, PS2, PM2_SUP

NM_005618.4(DLL1):c.1253_1259del (p.Ala418fs)

Gene: DLL1 (delta like canonical Notch ligand 1; minus strand). Cytogenetic location: 6q27.
Variant type: Deletion.
Coding change: c.1253_1259del on transcript NM_005618.4 (MANE Select); coding-DNA positions 1253 to 1259, 7 bases deleted (CCAAGTG; older notation c.1253_1259delCCAAGTG).
Protein change: p.Ala418fs; shifts the reading frame from alanine 418.
Molecular consequence: frameshift variant.
Genome position (GRCh38, 1-based): chr6:170,284,020-170,284,026, CACTTGG deleted on the plus strand (CCAAGTG on the coding strand, the reverse complement: DLL1 is on the minus strand); deleting any 7 consecutive bases within chr6:170,284,020-170,284,029 gives the same sequence; the c. name uses the placement nearest the transcript's 3' end. VCF-style (leftmost placement, unchanged base first): chr6-170284019-ACACTTGG-A. GRCh37 (hg19) VCF-style: chr6-170593107-ACACTTGG-A.
Other names: short protein forms A418fs.
Identifiers: ClinVar variation 1709800 (VCV001709800.2), dbSNP rs2483348338, ClinGen allele CA2580075338.
Genomic context (GRCh38, chr6:170,284,019, plus strand): 5'-ACAGTGCCTCCCCGAGAAGCCGGCCTGGCAGCGGCACAGGTAGGCATCACCGAGGTCCAC[ACACTTGG>A]CACCTGGAACACAGGGACATGAACATCACGTGTCTCCTCGTAGGTTTGTTCACCAAAAAG-3'